The following is an entry in ClinVar:

ClinVar aggregate classification (germline): Uncertain significance. Review status: criteria provided, multiple submitters, no conflicts (2 of 4 stars). 4 submissions from 4 submitters: Uncertain significance (3). 1 of the submissions does not count toward it. Last evaluated 2024-08-27.

Conditions:
Inborn genetic diseases. Identifiers: MedGen C0950123, MeSH D030342.
Neuronal ceroid lipofuscinosis. Also called: Neuronal Ceroid Lipofuscinoses. Identifiers: Orphanet 216, Orphanet 79263, MedGen C0027877, MONDO:0016295. Disease mechanism: loss of function.
Neuronal ceroid lipofuscinosis 8 (CLN8). Also called: CLN8-Related Neuronal Ceroid-Lipofuscinosis. Identifiers: Orphanet 168491, Orphanet 228354, Orphanet 79264, MedGen C1838570, MONDO:0010830, OMIM 600143.

Allele frequency attached by ClinVar (database versions not stated): ESP Exome Variant Server 0.00008; TOPMed 0.00008.
gnomAD v4.1: 64 of 1,614,044 alleles (0.004%); highest among the groups gnomAD compares: East Asian, 0.025%; no homozygotes.

Submissions (4):

Blueprint Genetics
Classification: Uncertain significance. Last evaluated: 2024-08-27. Review status: criteria provided, single submitter. Criteria: ACMG Guidelines, 2015. Collection method: clinical testing. Allele origin: germline.

Ambry Genetics
Classification: Uncertain significance for Inborn genetic diseases. Last evaluated: 2024-05-07. Review status: criteria provided, single submitter. Criteria: Ambry Variant Classification Scheme 2023. Collection method: clinical testing. Allele origin: germline.

Labcorp Genetics (formerly Invitae), Labcorp
Classification: Uncertain significance for Neuronal ceroid lipofuscinosis. Last evaluated: 2022-02-28. Review status: criteria provided, single submitter. Criteria: Invitae Variant Classification Sherloc (09022015). Collection method: clinical testing. Allele origin: germline.
Comment: This sequence change replaces aspartic acid, which is acidic and polar, with asparagine, which is neutral and polar, at codon 94 of the CLN8 protein (p.Asp94Asn). This variant is present in population databases (rs143918546, gnomAD 0.04%). This variant has not been reported in the literature in individuals affected with CLN8-related conditions. ClinVar contains an entry for this variant (Variation ID: 969154). Advanced modeling of protein sequence and biophysical properties (such as structural, functional, and spatial information, amino acid conservation, physicochemical variation, residue mobility, and thermodynamic stability) performed at Invitae indicates that this missense variant is not expected to disrupt CLN8 protein function. In summary, the available evidence is currently insufficient to determine the role of this variant in disease. Therefore, it has been classified as a Variant of Uncertain Significance.

Natera, Inc.
Classification: Uncertain significance for Neuronal ceroid lipofuscinosis 8. Last evaluated: 2020-10-09. Review status: no assertion criteria provided. Collection method: clinical testing. Allele origin: germline. Not counted in ClinVar's aggregate classification.

NM_018941.4(CLN8):c.280G>A (p.Asp94Asn)

Gene: CLN8 (CLN8 transmembrane ER and ERGIC protein; plus strand). Cytogenetic location: 8p23.3.
Variant type: single nucleotide variant.
Coding change: c.280G>A on transcript NM_018941.4 (MANE Select); coding-DNA position 280, G replaced by A.
Protein change: p.Asp94Asn; replaces aspartic acid 94 with asparagine.
Molecular consequence: missense variant.
Genome position (GRCh38, 1-based): chr8:1,771,334, G>A. VCF-style: chr8-1771334-G-A. GRCh37 (hg19) VCF-style: chr8-1719500-G-A.
Other names: short protein forms D94N.
Identifiers: ClinVar variation 969154 (VCV000969154.6), dbSNP rs143918546, ClinGen allele CA4599237.